The following is an entry in ClinVar:

NM_000138.5(FBN1):c.2827T>C (p.Leu943=)

Gene: FBN1 (fibrillin 1; minus strand). Cytogenetic location: 15q21.1.
Variant type: single nucleotide variant.
Coding change: c.2827T>C on transcript NM_000138.5 (MANE Select); coding-DNA position 2827, T replaced by C.
Protein change: p.Leu943=; no amino-acid change (leucine 943 retained).
Molecular consequence: synonymous variant.
Genome position (GRCh38, 1-based): chr15:48,492,488, A>G on the plus strand (T>C on the coding strand, the complement: FBN1 is on the minus strand). VCF-style: chr15-48492488-A-G. GRCh37 (hg19) VCF-style: chr15-48784685-A-G.
Other names: c.2827T>C, p.Leu943= (NM_001406716.1).
Identifiers: ClinVar variation 3386830 (VCV003386830.1).

ClinVar aggregate classification (germline): Likely benign (1 of 4 stars; one submission).

Conditions:
Marfan syndrome (MFS). Also called: MARFAN SYNDROME, TYPE I; Marfan syndrome type 1; Marfan's syndrome; FBN1-Related Marfan Syndrome; Marfan syndrome, classic. Identifiers: Orphanet 284963, Orphanet 558, MedGen C0024796, MONDO:0007947, OMIM 154700.

gnomAD v4.1: 1 of 1,613,722 alleles (0.000062%); highest among the groups gnomAD compares: Non-Finnish European, 0.000085%; no homozygotes.

Submission:

All of Us Research Program, National Institutes of Health
Classification: Likely benign for Marfan syndrome. Last evaluated: 2024-05-14. Review status: criteria provided, single submitter. Criteria: ACMG Guidelines, 2015. Collection method: clinical testing. Allele origin: germline. Inheritance: Autosomal dominant inheritance. Observed: 1 variant allele, 1 heterozygote.
Comment: This study involves interpretation of variants in research participants for the purpose of population health screening. Participant phenotype was not available at the time of variant classification. Additional details can be found in publication PMID: 35346344, PMCID: PMC8962531